The following is an entry in ClinVar:

NM_000020.3(ACVRL1):c.320_323dup (p.Pro109fs)

Gene: ACVRL1 (activin A receptor like type 1; plus strand). Cytogenetic location: 12q13.13.
Variant type: Duplication.
Coding change: c.320_323dup on transcript NM_000020.3 (MANE Select); coding-DNA positions 320 to 323, 4 bases duplicated (AACC; older notation c.320_323dupAACC).
Protein change: p.Pro109fs; shifts the reading frame from proline 109.
Molecular consequence: frameshift variant. On other transcripts: intron variant (6).
Genome position (GRCh38, 1-based): chr12:51,913,565-51,913,568, AACC duplicated; duplicating any 4 consecutive bases within chr12:51,913,563-51,913,568 gives the same sequence; the c. name uses the placement nearest the transcript's 3' end. VCF-style (leftmost placement, unchanged base first): chr12-51913562-C-CCCAA. GRCh37 (hg19) VCF-style: chr12-52307346-C-CCCAA.
Other names: c.320_323dup, p.Pro109fs (NM_001077401.2, NM_001406487.1, NM_001406488.1 and 1 more transcripts); c.313+215_313+218dup (NM_001406491.1, NM_001406490.1, NM_001406492.1 and 2 more transcripts); c.62-874_62-871dup (NM_001406495.1); short protein forms P109fs.
Identifiers: ClinVar variation 2856658 (VCV002856658.3), dbSNP rs2540160334, ClinGen allele CA2739272043.
Genomic context (GRCh38, chr12:51,913,562, plus strand): 5'-CCGAGGTGGGGGGAGCTGACCTAGTGGAAGCTGAGCCTCAGTGTCCCCCTCCCTCAGCCA[C>CCCAA]CCAACCTCCTTCGGAGCAGCCGGGAACAGATGGCCAGCTGGCCCTGATCCTGGGCCCCGT-3'

ClinVar aggregate classification (germline): Pathogenic (1 of 4 stars; one submission).

Conditions:
Telangiectasia, hereditary hemorrhagic, type 2 (HHT2). Also called: ACVRL1-Related Hereditary Hemorrhagic Telangiectasia; Telangiectasia, hereditary hemorrhagic, type II. Identifiers: Orphanet 774, MedGen C1838163, MONDO:0010880, OMIM 600376. Disease mechanism: loss of function.

Submission:

Labcorp Genetics (formerly Invitae), Labcorp
Classification: Pathogenic for Telangiectasia, hereditary hemorrhagic, type 2. Last evaluated: 2023-09-01. Review status: criteria provided, single submitter. Criteria: Invitae Variant Classification Sherloc (09022015). Collection method: clinical testing. Allele origin: germline.
Comment: For these reasons, this variant has been classified as Pathogenic. This variant has not been reported in the literature in individuals affected with ACVRL1-related conditions. This variant is not present in population databases (gnomAD no frequency). This sequence change creates a premature translational stop signal (p.Pro109Thrfs*61) in the ACVRL1 gene. It is expected to result in an absent or disrupted protein product. Loss-of-function variants in ACVRL1 are known to be pathogenic (PMID: 15879500).

Literature cited by the submitters: PubMed 15879500.